The following is an entry in ClinVar:

NM_000038.6(APC):c.525T>C (p.Thr175=)

Gene: APC (APC regulator of Wnt signaling pathway; plus strand). Cytogenetic location: 5q22.2.
Variant type: single nucleotide variant.
Coding change: c.525T>C on transcript NM_000038.6 (MANE Select); coding-DNA position 525, T replaced by C.
Protein change: p.Thr175=; no amino-acid change (threonine 175 retained).
Molecular consequence: synonymous variant. On other transcripts: 5 prime UTR variant (4), non-coding transcript variant (2).
Genome position (GRCh38, 1-based): chr5:112,775,731, T>C. VCF-style: chr5-112775731-T-C. GRCh37 (hg19) VCF-style: chr5-112111428-T-C.
Other names: c.525T>C, p.Thr175= (NM_001127510.3, NM_001354895.2, NM_001354896.2 and 16 more transcripts); c.555T>C, p.Thr185= (NM_001127511.3, NM_001354897.2, NM_001354902.2 and 1 more transcripts); c.450T>C, p.Thr150= (NM_001354898.2, NM_001354904.2, NM_001407451.1); c.348T>C, p.Thr116= (NM_001354900.2, NM_001354901.2, NM_001354905.2 and 1 more transcripts); c.-511T>C (NM_001354906.2, NM_001407470.1, NM_001407471.1 and 1 more transcripts).
Identifiers: ClinVar variation 3147983 (VCV003147983.1), dbSNP rs2149616203, ClinGen allele CA445753081.
Genomic context (GRCh38, chr5:112,775,731, plus strand): 5'-AGACTGGTATTACGCTCAACTTCAGAATCTCACTAAAAGAATAGATAGTCTTCCTTTAAC[T>C]GAAAATGTAAGTAACTTGGCAGTACAACTTATTTGAAACTTTAATAACTTGATATTTTAA-3'
Protein context (NP_000029.2, residues 165-185): LTKRIDSLPL[Thr175=]ENFSLQTDMT

ClinVar aggregate classification (germline): Benign (1 of 4 stars; one submission).

Conditions:
Familial adenomatous polyposis 1 (FAP1). Also called: POLYPOSIS, ADENOMATOUS INTESTINAL; FAMILIAL ADENOMATOUS POLYPOSIS 1, ATTENUATED. Identifiers: MedGen C2713442, MONDO:0021056, OMIM 175100. Disease mechanism: loss of function.

Allele frequency attached by ClinVar (database versions not stated): gnomAD exomes below 0.00001.
gnomAD v4.1: 3 of 1,550,492 alleles (0.00019%); highest among the groups gnomAD compares: Non-Finnish European, 0.00026%; no homozygotes.

Submission:

Myriad Genetics, Inc.
Classification: Benign for Familial adenomatous polyposis 1. Last evaluated: 2024-02-23. Review status: criteria provided, single submitter. Criteria: Myriad Autosomal Dominant, Autosomal Recessive and X-Linked Classification Criteria (2023). Collection method: clinical testing. Allele origin: unknown.
Comment: This variant is considered benign. This variant is a silent/synonymous amino acid change and it is not expected to impact splicing.